The following is an entry in ClinVar:

NM_173630.4(RTTN):c.80G>A (p.Cys27Tyr)

Gene: RTTN (rotatin; minus strand). Cytogenetic location: 18q22.2.
Variant type: single nucleotide variant.
Coding change: c.80G>A on transcript NM_173630.4 (MANE Select); coding-DNA position 80, G replaced by A.
Protein change: p.Cys27Tyr; replaces cysteine 27 with tyrosine.
Molecular consequence: missense variant. On other transcripts: 5 prime UTR variant (1).
Genome position (GRCh38, 1-based): chr18:70,205,267, C>T on the plus strand (G>A on the coding strand, the complement: RTTN is on the minus strand). VCF-style: chr18-70205267-C-T. GRCh37 (hg19) VCF-style: chr18-67872503-C-T.
Other names: c.-2474G>A (NM_001318520.2); short protein forms C27Y.
Identifiers: ClinVar variation 37206 (VCV000037206.3), dbSNP rs201884120, ClinGen allele CA130104.

ClinVar aggregate classification (germline): Uncertain significance. Review status: criteria provided, multiple submitters, no conflicts (2 of 4 stars). 4 submissions from 4 submitters: Uncertain significance (2). 2 of the submissions do not count toward it. Last evaluated 2024-05-15.

Conditions:
Inborn genetic diseases. Identifiers: MedGen C0950123, MeSH D030342.
MICROCEPHALY, SHORT STATURE, AND POLYMICROGYRIA WITH SEIZURES. Identifiers: MedGen C4225499.

Allele frequency attached by ClinVar (database versions not stated): gnomAD exomes 0.00002; ExAC 0.00003; TOPMed 0.00008; gnomAD 0.00009 and 0.00010; ESP Exome Variant Server 0.00016; 1000 Genomes Project 30x 0.00031.

Submissions (4):

Ambry Genetics
Classification: Uncertain significance for Inborn genetic diseases. Last evaluated: 2024-05-15. Review status: criteria provided, single submitter. Criteria: Ambry Variant Classification Scheme 2023. Collection method: clinical testing. Allele origin: germline.

GeneDx
Classification: Uncertain significance. Last evaluated: 2017-06-09. Review status: criteria provided, single submitter. Criteria: GeneDx Variant Classification (06012015). Collection method: clinical testing. Allele origin: germline. Affected: yes.
Comment: A variant of uncertain significance has been identified in the RTTN gene. The C27Y variant has been previously reported in the homozygous state in an individual with bilateral polymicrogyria, seizures, spasticity, and severe intellectual disability. Parental carrier testing confirmed inheritance; however, functional characterization of the variant was not completed (Kheradmand et al., 2012). The C27Y variant is observed in 4/9798 (0.04%) alleles from individuals of Afican background, in the ExAC dataset (Lek et al., 2016; 1000 Genomes Consortium et al., 2015; Exome Variant Server). The C27Y variant is a non-conservative amino acid substitution, which is likely to impact secondary protein structure as these residues differ in polarity, charge, size and/or other properties. This substitution occurs at a position that is conserved in mammals. However, in silico analysis is inconsistent in its predictions as to whether or not the variant is damaging to the protein structure/function. Therefore, based on the currently available information, it is unclear whether this variant is a pathogenic variant or a rare benign variant.

OMIM
Classification: Pathogenic for MICROCEPHALY, SHORT STATURE, AND POLYMICROGYRIA WITH SEIZURES. Last evaluated: 2012-09-07. Review status: no assertion criteria provided. Collection method: literature only. Allele origin: germline. Not counted in ClinVar's aggregate classification.

UniProtKB/Swiss-Prot
No classification provided. Review status: no classification provided. Collection method: not provided. Allele origin: not provided. Not counted in ClinVar's aggregate classification.

Literature cited by the submitters: PubMed 22939636 (cited by Ambry Genetics and OMIM).